The following is an entry in ClinVar:

NM_012448.4(STAT5B):c.322T>A (p.Cys108Ser)

Gene: STAT5B (signal transducer and activator of transcription 5B; minus strand). Cytogenetic location: 17q21.2.
Variant type: single nucleotide variant.
Coding change: c.322T>A on transcript NM_012448.4 (MANE Select); coding-DNA position 322, T replaced by A.
Protein change: p.Cys108Ser; replaces cysteine 108 with serine.
Molecular consequence: missense variant.
Genome position (GRCh38, 1-based): chr17:42,224,832, A>T on the plus strand (T>A on the coding strand, the complement: STAT5B is on the minus strand). VCF-style: chr17-42224832-A-T. GRCh37 (hg19) VCF-style: chr17-40376850-A-T.
Other names: short protein forms C108S.
Identifiers: ClinVar variation 1675670 (VCV001675670.33), dbSNP rs2080259763, ClinGen allele CA399590879.
Genomic context (GRCh38, chr17:42,224,832, plus strand): 5'-CACTCACATTGTTGGCTTCTCGGACCAACCTCTGTTCATTGTACAATATATGGCGGATGC[A>T]GCGGACCAGCTCCATGGGGCAGCGGTCATACGTGTTCTGAAAGAATCCAACAGCAGACAT-3'
Protein context (NP_036580.2, residues 98-118): YDRCPMELVR[Cys108Ser]IRHILYNEQR

ClinVar aggregate classification (germline): Uncertain significance (1 of 4 stars; one submission).

Submission:

CeGaT Center for Human Genetics Tuebingen
Classification: Uncertain significance. Last evaluated: 2022-07-01. Review status: criteria provided, single submitter. Criteria: CeGaT Center For Human Genetics Tuebingen Variant Classification Criteria Version 2. Collection method: clinical testing. Allele origin: germline. Affected: yes. Observed: 2 variant alleles.
Comment: STAT5B: PM2, PP1, PP2